The following is an entry in ClinVar:

NM_013275.6(ANKRD11):c.3369T>A (p.Ser1123Arg)

Gene: ANKRD11 (ankyrin repeat domain containing 11; minus strand). Cytogenetic location: 16q24.3.
Variant type: single nucleotide variant.
Coding change: c.3369T>A on transcript NM_013275.6 (MANE Select); coding-DNA position 3369, T replaced by A.
Protein change: p.Ser1123Arg; replaces serine 1123 with arginine.
Molecular consequence: missense variant.
Genome position (GRCh38, 1-based): chr16:89,283,173, A>T on the plus strand (T>A on the coding strand, the complement: ANKRD11 is on the minus strand). VCF-style: chr16-89283173-A-T. GRCh37 (hg19) VCF-style: chr16-89349581-A-T.
Other names: c.3369T>A, p.Ser1123Arg (NM_001256182.2, NM_001256183.2); short protein forms S1123R.
Identifiers: ClinVar variation 1706871 (VCV001706871.2), dbSNP rs2544237785, ClinGen allele CA397159957.

ClinVar aggregate classification (germline): Uncertain significance (1 of 4 stars; one submission).

Submission:

GeneDx
Classification: Uncertain significance. Last evaluated: 2022-03-22. Review status: criteria provided, single submitter. Criteria: GeneDx Variant Classification Process June 2021. Collection method: clinical testing. Allele origin: germline. Affected: yes.
Comment: Not observed at significant frequency in large population cohorts (gnomAD); In silico analysis supports that this missense variant does not alter protein structure/function; Has not been previously published as pathogenic or benign to our knowledge